The following is an entry in ClinVar:

ClinVar aggregate classification (germline): Likely benign. Review status: criteria provided, multiple submitters, no conflicts (2 of 4 stars). 2 submissions from 2 submitters: Likely benign (2). Last evaluated 2024-10-18.

Conditions:
Autosomal dominant limb-girdle muscular dystrophy type 1F (LGMDD2). Also called: Limb-girdle muscular dystrophy, type 1F; MUSCULAR DYSTROPHY, LIMB-GIRDLE, AUTOSOMAL DOMINANT 2. Identifiers: Orphanet 55595, MedGen C1842062, MONDO:0012034, OMIM 608423.

Allele frequency attached by ClinVar (database versions not stated): gnomAD exomes 0.00001 and 0.00004; ExAC 0.00002.
gnomAD v4.1: 16 of 1,613,646 alleles (0.00099%); highest among the groups gnomAD compares: Admixed American, 0.015%; no homozygotes.

Submissions (2):

Labcorp Genetics (formerly Invitae), Labcorp
Classification: Likely benign for Autosomal dominant limb-girdle muscular dystrophy type 1F. Last evaluated: 2024-10-18. Review status: criteria provided, single submitter. Criteria: Invitae Variant Classification Sherloc (09022015). Collection method: clinical testing. Allele origin: germline.

GeneDx
Classification: Likely benign. Last evaluated: 2016-06-06. Review status: criteria provided, single submitter. Criteria: GeneDx Variant Classification (06012015). Collection method: clinical testing. Allele origin: germline. Affected: yes.
Comment: This variant is considered likely benign or benign based on one or more of the following criteria: it is a conservative change, it occurs at a poorly conserved position in the protein, it is predicted to be benign by multiple in silico algorithms, and/or has population frequency not consistent with disease.

NM_012470.4(TNPO3):c.738G>A (p.Ser246=)

Gene: TNPO3 (transportin 3; minus strand). Cytogenetic location: 7q32.1.
Variant type: single nucleotide variant.
Coding change: c.738G>A on transcript NM_012470.4 (MANE Select); coding-DNA position 738, G replaced by A.
Protein change: p.Ser246=; no amino-acid change (serine 246 retained).
Molecular consequence: synonymous variant. On other transcripts: non-coding transcript variant (18).
Genome position (GRCh38, 1-based): chr7:129,001,193, C>T on the plus strand (G>A on the coding strand, the complement: TNPO3 is on the minus strand). VCF-style: chr7-129001193-C-T. GRCh37 (hg19) VCF-style: chr7-128641247-C-T.
Other names: c.738G>A, p.Ser246= (NM_001382220.1, NM_001382218.1, NM_001382219.1 and 4 more transcripts); c.594G>A, p.Ser198= (NM_001382221.1); c.819G>A, p.Ser273= (NM_001382217.1).
Identifiers: ClinVar variation 386396 (VCV000386396.6), dbSNP rs779514660, ClinGen allele CA4478334.